The following is an entry in ClinVar:

NM_001557.4(CXCR2):c.61A>C (p.Ser21Arg)

Gene: CXCR2 (C-X-C motif chemokine receptor 2; plus strand). Cytogenetic location: 2q35.
Variant type: single nucleotide variant.
Coding change: c.61A>C on transcript NM_001557.4 (MANE Select); coding-DNA position 61, A replaced by C.
Protein change: p.Ser21Arg; replaces serine 21 with arginine.
Molecular consequence: missense variant.
Genome position (GRCh38, 1-based): chr2:218,134,862, A>C. VCF-style: chr2-218134862-A-C. GRCh37 (hg19) VCF-style: chr2-218999585-A-C.
Other names: c.61A>C, p.Ser21Arg (NM_001168298.2); short protein forms S21R.
Identifiers: ClinVar variation 1347491 (VCV001347491.6), dbSNP rs561614631, ClinGen allele CA65710480.

ClinVar aggregate classification (germline): Uncertain significance (1 of 4 stars; one submission).

Allele frequency attached by ClinVar (database versions not stated): gnomAD exomes 0.00001; TOPMed 0.00001; gnomAD 0.00002; 1000 Genomes Project 30x 0.00016; 1000 Genomes Project 0.00020.
gnomAD v4.1: 8 of 1,614,198 alleles (0.0005%); highest among the groups gnomAD compares: Admixed American, 0.0033%; no homozygotes.

Submission:

Labcorp Genetics (formerly Invitae), Labcorp
Classification: Uncertain significance. Last evaluated: 2023-08-04. Review status: criteria provided, single submitter. Criteria: Invitae Variant Classification Sherloc (09022015). Collection method: clinical testing. Allele origin: germline.
Comment: This sequence change replaces serine, which is neutral and polar, with arginine, which is basic and polar, at codon 21 of the CXCR2 protein (p.Ser21Arg). This variant is present in population databases (rs561614631, gnomAD 0.003%). This variant has not been reported in the literature in individuals affected with CXCR2-related conditions. ClinVar contains an entry for this variant (Variation ID: 1347491). An algorithm developed to predict the effect of missense changes on protein structure and function (PolyPhen-2) suggests that this variant is likely to be tolerated. In summary, the available evidence is currently insufficient to determine the role of this variant in disease. Therefore, it has been classified as a Variant of Uncertain Significance.